The following is an entry in ClinVar:

ClinVar aggregate classification (germline): Uncertain significance. Review status: criteria provided, multiple submitters, no conflicts (2 of 4 stars). 2 submissions from 2 submitters: Uncertain significance (2). Last evaluated 2025-09-10.

Conditions:
Inborn genetic diseases. Identifiers: MedGen C0950123, MeSH D030342.
Hereditary spastic paraplegia 39 (SPG39). Also called: SPASTIC PARAPLEGIA 39, AUTOSOMAL RECESSIVE; Spastic Paraplegia Type 39 (SPG39). Identifiers: Orphanet 139480, MedGen C2677586, MONDO:0012787, OMIM 612020.

Allele frequency attached by ClinVar (database versions not stated): gnomAD exomes below 0.00001 and 0.00001; ExAC 0.00001; gnomAD 0.00001; TOPMed 0.00001.
gnomAD v4.1: 13 of 1,613,272 alleles (0.00081%); highest among the groups gnomAD compares: African/African-American, 0.004%; no homozygotes.

Submissions (2):

Ambry Genetics
Classification: Uncertain significance for Inborn genetic diseases. Last evaluated: 2025-09-10. Review status: criteria provided, single submitter. Criteria: Ambry Variant Classification Scheme 2023. Collection method: clinical testing. Allele origin: germline.

Labcorp Genetics (formerly Invitae), Labcorp
Classification: Uncertain significance for Hereditary spastic paraplegia 39. Last evaluated: 2022-07-19. Review status: criteria provided, single submitter. Criteria: Invitae Variant Classification Sherloc (09022015). Collection method: clinical testing. Allele origin: germline.
Comment: This sequence change replaces arginine, which is basic and polar, with glutamine, which is neutral and polar, at codon 1252 of the PNPLA6 protein (p.Arg1252Gln). This variant is present in population databases (rs764729340, gnomAD 0.005%). In summary, the available evidence is currently insufficient to determine the role of this variant in disease. Therefore, it has been classified as a Variant of Uncertain Significance. Algorithms developed to predict the effect of sequence changes on RNA splicing suggest that this variant may create or strengthen a splice site. Algorithms developed to predict the effect of missense changes on protein structure and function (SIFT, PolyPhen-2, Align-GVGD) all suggest that this variant is likely to be tolerated. ClinVar contains an entry for this variant (Variation ID: 958827). This variant has not been reported in the literature in individuals affected with PNPLA6-related conditions.

NM_001166114.2(PNPLA6):c.3869G>A (p.Arg1290Gln)

Gene: PNPLA6 (patatin like domain 6, lysophospholipase; plus strand). Cytogenetic location: 19p13.2.
Variant type: single nucleotide variant.
Coding change: c.3869G>A on transcript NM_001166114.2 (MANE Select); coding-DNA position 3869, G replaced by A.
Protein change: p.Arg1290Gln; replaces arginine 1290 with glutamine.
Molecular consequence: missense variant.
Genome position (GRCh38, 1-based): chr19:7,561,066, G>A. VCF-style: chr19-7561066-G-A. GRCh37 (hg19) VCF-style: chr19-7625952-G-A.
Other names: c.3899G>A, p.Arg1300Gln (NM_001166111.2); c.3674G>A, p.Arg1225Gln (NM_001166112.2); c.3755G>A, p.Arg1252Gln (NM_001166113.1, NM_006702.5); short protein forms R1300Q, R1252Q, R1225Q, R1290Q.
Identifiers: ClinVar variation 958827 (VCV000958827.10), dbSNP rs764729340, ClinGen allele CA9140616.